The following is an entry in ClinVar:

ClinVar aggregate classification (germline): Conflicting classifications of pathogenicity. Review status: criteria provided, conflicting classifications (1 of 4 stars). 3 submissions from 3 submitters: Uncertain significance (1); Likely benign (2). Last evaluated 2026-04-21.

Conditions:
Hereditary cancer-predisposing syndrome. Also called: Tumor predisposition; Hereditary neoplastic syndrome; Neoplastic Syndromes, Hereditary; Hereditary Cancer Syndrome. Identifiers: Orphanet 140162, MedGen C0027672, MeSH D009386, MONDO:0015356.
Gorlin syndrome. Also called: Basal cell nevus syndrome; Nevoid Basal Cell Carcinoma Syndrome. Identifiers: Orphanet 377, MedGen C0004779, MONDO:0007187.

Allele frequency attached by ClinVar (database versions not stated): gnomAD exomes 0.00001; ESP Exome Variant Server 0.00008; gnomAD 0.00007; TOPMed 0.00007; ExAC 0.00001.
gnomAD v4.1: 18 of 1,614,174 alleles (0.0011%); highest among the groups gnomAD compares: African/African-American, 0.017%; no homozygotes.

Submissions (3):

Ambry Genetics
Classification: Likely benign for Hereditary cancer-predisposing syndrome. Last evaluated: 2026-04-21. Review status: criteria provided, single submitter. Criteria: Ambry Variant Classification Scheme 2023. Collection method: clinical testing. Allele origin: germline.

Labcorp Genetics (formerly Invitae), Labcorp
Classification: Likely benign for Gorlin syndrome. Last evaluated: 2025-11-27. Review status: criteria provided, single submitter. Criteria: Invitae Variant Classification Sherloc (09022015). Collection method: clinical testing. Allele origin: germline.

GeneDx
Classification: Uncertain significance. Last evaluated: 2023-06-28. Review status: criteria provided, single submitter. Criteria: GeneDx Variant Classification Process June 2021. Collection method: clinical testing. Allele origin: germline. Affected: yes.
Comment: In silico analysis supports that this missense variant does not alter protein structure/function; Has not been previously published as pathogenic or benign to our knowledge

NM_000264.5(PTCH1):c.2794G>A (p.Val932Ile)

Gene: PTCH1 (patched 1; minus strand). Cytogenetic location: 9q22.32.
Variant type: single nucleotide variant.
Coding change: c.2794G>A on transcript NM_000264.5 (MANE Select); coding-DNA position 2794, G replaced by A.
Protein change: p.Val932Ile; replaces valine 932 with isoleucine.
Molecular consequence: missense variant. On other transcripts: non-coding transcript variant (1).
Genome position (GRCh38, 1-based): chr9:95,459,693, C>T on the plus strand (G>A on the coding strand, the complement: PTCH1 is on the minus strand). VCF-style: chr9-95459693-C-T. GRCh37 (hg19) VCF-style: chr9-98221975-C-T.
Other names: c.2596G>A, p.Val866Ile (NM_001083602.3); c.2791G>A, p.Val931Ile (NM_001083603.3); c.2341G>A, p.Val781Ile (NM_001083604.3, NM_001083605.3, NM_001083606.3 and 1 more transcripts); c.2638G>A, p.Val880Ile (NM_001354918.2); short protein forms V932I, V866I, V931I, V781I, V880I.
Identifiers: ClinVar variation 524517 (VCV000524517.15), dbSNP rs376084632, ClinGen allele CA5138325.